The following is an entry in ClinVar:

ClinVar aggregate classification (germline): Pathogenic/Likely pathogenic. Review status: criteria provided, multiple submitters, no conflicts (2 of 4 stars). 2 submissions from 2 submitters: Pathogenic (1); Likely pathogenic (1). Last evaluated 2025-05-01.

Conditions:
Polycystic kidney disease, adult type (PKD1). Also called: Polycystic Kidney Disease 1, Autosomal Dominant; Polycystic kidney disease 1; Polycystic kidney disease 1, severe; Polycystic Kidney, Autosomal Dominant; POLYCYSTIC KIDNEY DISEASE 1 WITH OR WITHOUT POLYCYSTIC LIVER DISEASE; POLYCYSTIC KIDNEY DISEASE, ADULT, TYPE I. Identifiers: MedGen C3149841, MONDO:0008263, OMIM 173900.
Autosomal dominant polycystic kidney disease. Identifiers: Orphanet 730, MedGen C0085413, MONDO:0004691.

Submissions (2):

Women's Health and Genetics/Laboratory Corporation of America, LabCorp
Classification: Pathogenic for Polycystic kidney disease, adult type. Last evaluated: 2025-05-01. Review status: criteria provided, single submitter. Criteria: LabCorp Variant Classification Summary - May 2015. Collection method: clinical testing. Allele origin: germline.
Comment: Variant summary: PKD1 c.215+2T>G is located in a canonical splice-site and is predicted to affect mRNA splicing resulting in a significantly altered protein due to either exon skipping, shortening, or inclusion of intronic material. Variants that disrupt the consensus splice site are a relatively common cause of aberrant splicing and loss of PKD1 function. Several computational tools predict a significant impact on normal splicing: Four predict the variant abolishes a 5' splicing donor site. However, these predictions have yet to be confirmed by functional studies. The variant was absent in 29506 control chromosomes (gnomAD). To our knowledge, no occurrence of c.215+2T>G in individuals affected with Polycystic Kidney Disease 1 and no experimental evidence demonstrating its impact on protein function have been reported. ClinVar contains an entry for this variant (Variation ID: 1801709). Based on the evidence outlined above, the variant was classified as pathogenic.

Human Genetics Bochum, Ruhr University Bochum
Classification: Likely pathogenic for Autosomal dominant polycystic kidney disease. Last evaluated: 2022-08-30. Review status: criteria provided, single submitter. Criteria: ACMG Guidelines, 2015. Collection method: clinical testing. Allele origin: germline. Affected: yes.
Comment: ACMG criteria used to clasify this variant: PVS1_STR, PM1, PM2_SUP

NM_001009944.3(PKD1):c.215+2T>G

Gene: PKD1 (polycystin 1, transient receptor potential channel interacting; minus strand). Cytogenetic location: 16p13.3.
Variant type: single nucleotide variant.
Coding change: c.215+2T>G on transcript NM_001009944.3 (MANE Select); the canonical splice donor site of the intron after coding-DNA position 215, T replaced by G.
Molecular consequence: splice donor variant.
Genome position (GRCh38, 1-based): chr16:2,135,473, A>C on the plus strand (T>G on the coding strand, the complement: PKD1 is on the minus strand). VCF-style: chr16-2135473-A-C. GRCh37 (hg19) VCF-style: chr16-2185474-A-C.
Other names: c.215+2T>G (NM_000296.4).
Identifiers: ClinVar variation 1801709 (VCV001801709.2), dbSNP rs2544960078, ClinGen allele CA394282105.